The following is an entry in ClinVar:

ClinVar aggregate classification (germline): Likely benign (1 of 4 stars; one submission).

Allele frequency attached by ClinVar (database versions not stated): TOPMed 0.00051; gnomAD 0.00064; gnomAD exomes 0.00114.
gnomAD v4.1: 364 of 397,638 alleles (0.092%); highest among the groups gnomAD compares: Non-Finnish European, 0.13%; no homozygotes.

Submission:

CeGaT Center for Human Genetics Tuebingen
Classification: Likely benign. Last evaluated: 2026-03-01. Review status: criteria provided, single submitter. Criteria: CeGaT Center For Human Genetics Tuebingen Variant Classification Criteria Version 2. Collection method: clinical testing. Allele origin: germline. Affected: yes. Observed: 23 variant alleles.
Comment: KCNQ1OT1: BS1

NM_000218.3(KCNQ1):c.1393+22394C>T

Genes: KCNQ1 (potassium voltage-gated channel subfamily Q member 1; plus strand), KCNQ1OT1 (KCNQ1 opposite strand/antisense transcript 1; minus strand). Cytogenetic location: 11p15.5.
Variant type: single nucleotide variant.
Coding change: c.1393+22394C>T on transcript NM_000218.3 (MANE Select); 22394 bases into the intron after coding-DNA position 1393, C replaced by T.
Molecular consequence: intron variant.
Genome position (GRCh38, 1-based): chr11:2,611,248, C>T. VCF-style: chr11-2611248-C-T. GRCh37 (hg19) VCF-style: chr11-2632478-C-T.
Other names: c.1123+22394C>T (NM_001406837.1); c.1297+22394C>T (NM_001406836.1); c.853+22394C>T (NM_001406838.1); c.1012+22394C>T (NM_181798.2).
Identifiers: ClinVar variation 2498481 (VCV002498481.28), dbSNP rs1034182674, ClinGen allele CA216356729.